The following is an entry in ClinVar:

ClinVar aggregate classification (germline): Benign/Likely benign. Review status: criteria provided, multiple submitters, no conflicts (2 of 4 stars). 4 submissions from 4 submitters: Benign (1); Likely benign (3). Last evaluated 2025-12-02.

Conditions:
Charcot-Marie-Tooth disease axonal type 2O. Also called: Charcot-Marie-Tooth Neuropathy Type 2O; Charcot-Marie-Tooth disease, axonal, type 20; CHARCOT-MARIE-TOOTH NEUROPATHY, AXONAL, TYPE 2O; CHARCOT-MARIE-TOOTH DISEASE, AXONAL, AUTOSOMAL DOMINANT, TYPE 2O. Identifiers: Orphanet 284232, MedGen C3280220, MONDO:0013644, OMIM 614228.

Allele frequency attached by ClinVar (database versions not stated): gnomAD 0.00002 and 0.00003; TOPMed 0.00004; gnomAD exomes 0.00010 and 0.00014; ESP Exome Variant Server 0.00015; ExAC 0.00016.
gnomAD v4.1: 156 of 1,614,020 alleles (0.0097%); highest among the groups gnomAD compares: South Asian, 0.035%; 1 homozygote.

Submissions (4):

Labcorp Genetics (formerly Invitae), Labcorp
Classification: Benign for Charcot-Marie-Tooth disease axonal type 2O. Last evaluated: 2025-12-02. Review status: criteria provided, single submitter. Criteria: Invitae Variant Classification Sherloc (09022015). Collection method: clinical testing. Allele origin: germline.

Women's Health and Genetics/Laboratory Corporation of America, LabCorp
Classification: Likely benign. Last evaluated: 2024-10-01. Review status: criteria provided, single submitter. Criteria: LabCorp Variant Classification Summary - May 2015. Collection method: clinical testing. Allele origin: germline.
Comment: Variant summary: DYNC1H1 c.3765C>T alters a non-conserved nucleotide resulting in a synonymous change. Consensus agreement among computation tools predict no significant impact on normal splicing. However, these predictions have yet to be confirmed by functional studies. The variant allele was found at a frequency of 0.00014 in 251072 control chromosomes in the gnomAD database, including 1 homozygote. This frequency is not significantly higher than estimated for a pathogenic variant in DYNC1H1 causing DYNC1H1-Related Disorders, allowing no conclusion about variant significance. To our knowledge, no occurrence of c.3765C>T in individuals affected with DYNC1H1-Related Disorders and no experimental evidence demonstrating its impact on protein function have been reported. ClinVar contains an entry for this variant (Variation ID: 696777). Based on the evidence outlined above, the variant was classified as likely benign.

CeGaT Center for Human Genetics Tuebingen
Classification: Likely benign. Last evaluated: 2024-01-01. Review status: criteria provided, single submitter. Criteria: CeGaT Center For Human Genetics Tuebingen Variant Classification Criteria Version 2. Collection method: clinical testing. Allele origin: germline. Affected: yes. Observed: 2 variant alleles.
Comment: DYNC1H1: BP4, BP7

GeneDx
Classification: Likely benign. Last evaluated: 2020-09-14. Review status: criteria provided, single submitter. Criteria: GeneDx Variant Classification Process June 2021. Collection method: clinical testing. Allele origin: germline. Affected: yes.

NM_001376.5(DYNC1H1):c.3765C>T (p.Thr1255=)

Gene: DYNC1H1 (dynein cytoplasmic 1 heavy chain 1; plus strand). Cytogenetic location: 14q32.31.
Variant type: single nucleotide variant.
Coding change: c.3765C>T on transcript NM_001376.5 (MANE Select); coding-DNA position 3765, C replaced by T.
Protein change: p.Thr1255=; no amino-acid change (threonine 1255 retained).
Molecular consequence: synonymous variant.
Genome position (GRCh38, 1-based): chr14:101,997,235, C>T. VCF-style: chr14-101997235-C-T. GRCh37 (hg19) VCF-style: chr14-102463572-C-T.
Identifiers: ClinVar variation 696777 (VCV000696777.35), dbSNP rs150953878, ClinGen allele CA7352073.